The following is an entry in ClinVar:

ClinVar aggregate classification (germline): Benign (1 of 4 stars; one submission).

Allele frequency attached by ClinVar (database versions not stated): gnomAD 0.20469 and 0.21214; TOPMed 0.21194; gnomAD exomes 0.23623; 1000 Genomes Project 30x 0.24563; 1000 Genomes Project 0.25160.
gnomAD v4.1: 183,833 of 794,436 alleles (23%); highest among the groups gnomAD compares: East Asian, 40%; 22,879 homozygotes.

Submission:

GeneDx
Classification: Benign. Last evaluated: 2018-06-14. Review status: criteria provided, single submitter. Criteria: GeneDx Variant Classification (06012015). Collection method: clinical testing. Allele origin: germline. Affected: yes.
Comment: This variant is considered likely benign or benign based on one or more of the following criteria: it is a conservative change, it occurs at a poorly conserved position in the protein, it is predicted to be benign by multiple in silico algorithms, and/or has population frequency not consistent with disease.

NM_182961.4(SYNE1):c.4789-137A>G

Gene: SYNE1 (spectrin repeat containing nuclear envelope protein 1; minus strand). Cytogenetic location: 6q25.2.
Variant type: single nucleotide variant.
Coding change: c.4789-137A>G on transcript NM_182961.4 (MANE Select); 137 bases into the intron before coding-DNA position 4789, A replaced by G.
Molecular consequence: intron variant.
Genome position (GRCh38, 1-based): chr6:152,428,529, T>C on the plus strand (A>G on the coding strand, the complement: SYNE1 is on the minus strand). VCF-style: chr6-152428529-T-C. GRCh37 (hg19) VCF-style: chr6-152749664-T-C.
Other names: c.4810-137A>G (NM_033071.5).
Identifiers: ClinVar variation 670639 (VCV000670639.1), dbSNP rs515258, ClinGen allele CA12308887.